The following is an entry in ClinVar:

ClinVar aggregate classification (germline): Likely pathogenic (1 of 4 stars; one submission).

Conditions:
EPILEPSY, CHILDHOOD ABSENCE, SUSCEPTIBILITY TO, 2 (ECA2). Identifiers: Orphanet 64280, MedGen C1843244, OMIM 607681.
Febrile seizures, familial, 8 (FEB8). Also called: CONVULSIONS, FAMILIAL FEBRILE, 8. Identifiers: Orphanet 36387, MedGen C1969810, MONDO:0011891, OMIM 607681.

Submission:

Labcorp Genetics (formerly Invitae), Labcorp
Classification: Likely pathogenic for Febrile seizures, familial, 8; EPILEPSY, CHILDHOOD ABSENCE, SUSCEPTIBILITY TO, 2. Last evaluated: 2023-04-22. Review status: criteria provided, single submitter. Criteria: Invitae Variant Classification Sherloc (09022015). Collection method: clinical testing. Allele origin: germline.
Comment: This missense change has been observed in individual(s) with GABRG2-related conditions (Invitae). In at least one individual the variant was observed to be de novo. Advanced modeling of protein sequence and biophysical properties (such as structural, functional, and spatial information, amino acid conservation, physicochemical variation, residue mobility, and thermodynamic stability) has been performed at Invitae for this missense variant, however the output from this modeling did not meet the statistical confidence thresholds required to predict the impact of this variant on GABRG2 protein function. In summary, the currently available evidence indicates that the variant is pathogenic, but additional data are needed to prove that conclusively. Therefore, this variant has been classified as Likely Pathogenic. This variant is not present in population databases (gnomAD no frequency). This sequence change replaces threonine, which is neutral and polar, with serine, which is neutral and polar, at codon 181 of the GABRG2 protein (p.Thr181Ser).

NM_198904.4(GABRG2):c.542C>G (p.Thr181Ser)

Gene: GABRG2 (gamma-aminobutyric acid type A receptor subunit gamma2; plus strand). Cytogenetic location: 5q34.
Variant type: single nucleotide variant.
Coding change: c.542C>G on transcript NM_198904.4 (MANE Select); coding-DNA position 542, C replaced by G.
Protein change: p.Thr181Ser; replaces threonine 181 with serine.
Molecular consequence: missense variant.
Genome position (GRCh38, 1-based): chr5:162,097,852, C>G. VCF-style: chr5-162097852-C-G. GRCh37 (hg19) VCF-style: chr5-161524858-C-G.
Other names: c.542C>G, p.Thr181Ser (NM_000816.3, NM_001375340.1, NM_001375341.1 and 4 more transcripts); c.533C>G, p.Thr178Ser (NM_001375339.1); c.476C>G, p.Thr159Ser (NM_001375345.1, NM_001375346.1); c.455C>G, p.Thr152Ser (NM_001375347.1); c.122C>G, p.Thr41Ser (NM_001375348.1, NM_001375350.1); c.257C>G, p.Thr86Ser (NM_001375349.1); short protein forms T41S, T86S, T159S, T178S, T152S, T181S.
Identifiers: ClinVar variation 2944513 (VCV002944513.3), dbSNP rs2532569554, ClinGen allele CA362184461.